The following is an entry in ClinVar:

ClinVar aggregate classification (germline): Uncertain significance. Review status: criteria provided, multiple submitters, no conflicts (2 of 4 stars). 2 submissions from 2 submitters: Uncertain significance (2). Last evaluated 2022-07-11.

Conditions:
Metaphyseal dysplasia without hypotrichosis. Also called: Metaphyseal Dysplasia without Hypotrichosis (MDWH); CARTILAGE-HAIR HYPOPLASIA VARIANT, SKELETAL MANIFESTATIONS ONLY; CARTILAGE-HAIR HYPOPLASIA-LIKE SKELETAL DYSPLASIA WITHOUT HYPOTRICHOSIS OR IMMUNODEFICIENCY. Identifiers: MedGen C1834821, MONDO:0009601, OMIM 250460.
Metaphyseal chondrodysplasia, McKusick type (CHH). Also called: Cartilage-Hair Hypoplasia (CHH); Cartilage-hair hypoplasia. Identifiers: Orphanet 175, MedGen C0220748, MONDO:0009595, OMIM 250250.
Anauxetic dysplasia 1 (ANXD1). Also called: Anauxetic Dysplasia (AD). Identifiers: Orphanet 93347, MedGen C4551965, MONDO:0054560, OMIM 607095.
Anauxetic dysplasia. Identifiers: Orphanet 93347, MedGen C1846796, MONDO:0011773.

Submissions (2):

Labcorp Genetics (formerly Invitae), Labcorp
Classification: Uncertain significance for Anauxetic dysplasia. Last evaluated: 2022-07-11. Review status: criteria provided, single submitter. Criteria: Invitae Variant Classification Sherloc (09022015). Collection method: clinical testing. Allele origin: germline.
Comment: This variant occurs in the RMRP gene, which encodes an RNA molecule that does not result in a protein product. This variant is not present in population databases (gnomAD no frequency). This variant has not been reported in the literature in individuals affected with RMRP-related conditions. Experimental studies and prediction algorithms are not available or were not evaluated, and the functional significance of this variant is currently unknown. In summary, the available evidence is currently insufficient to determine the role of this variant in disease. Therefore, it has been classified as a Variant of Uncertain Significance.

Fulgent Genetics
Classification: Uncertain significance for Metaphyseal chondrodysplasia, McKusick type; Metaphyseal dysplasia without hypotrichosis; Anauxetic dysplasia 1. Last evaluated: 2022-04-26. Review status: criteria provided, single submitter. Criteria: ACMG Guidelines, 2015. Collection method: clinical testing. Allele origin: unknown.

NC_000009.12:g.35658036G>A

Gene: RMRP (RNA component of mitochondrial RNA processing endoribonuclease; minus strand). Cytogenetic location: 9p13.3.
Variant type: single nucleotide variant.
Genome position: GRCh38 VCF-style: chr9-35658036-G-A. GRCh37 (hg19) VCF-style: chr9-35658033-G-A.
Identifiers: ClinVar variation 1422200 (VCV001422200.4), dbSNP rs775303012, ClinGen allele CA652961745.